The following is an entry in ClinVar:

ClinVar aggregate classification (germline): Uncertain significance (1 of 4 stars; one submission).

Conditions:
Hypertrophic cardiomyopathy. Also called: HYPERTROPHIC MYOCARDIOPATHY. Identifiers: Orphanet 217569, MedGen C0007194, MeSH D002312, MONDO:0005045, HP:0001639.

Submission:

Labcorp Genetics (formerly Invitae), Labcorp
Classification: Uncertain significance for Hypertrophic cardiomyopathy. Last evaluated: 2020-11-20. Review status: criteria provided, single submitter. Criteria: Invitae Variant Classification Sherloc (09022015). Collection method: clinical testing. Allele origin: germline.
Comment: In summary, the available evidence is currently insufficient to determine the role of this variant in disease. Therefore, it has been classified as a Variant of Uncertain Significance. Experimental studies and prediction algorithms are not available or were not evaluated, and the functional significance of this variant is currently unknown. This variant has not been reported in the literature in individuals with MYBPC3-related conditions. This variant results in a copy number gain of the genomic region encompassing exon(s) 30-34 of the MYBPC3 gene. The 5' boundary is likely confined to intron 29. The 3' end of this event is unknown as it extends beyond the assayed region for this gene and therefore may encompass additional genes. As the precise location of this event is unknown, it may be in tandem or it may be located elsewhere in the genome.

NC_000011.9:g.(?_47353394)_(47354894_?)dup

Gene: MYBPC3 (myosin binding protein C3; minus strand). Cytogenetic location: 11p11.2.
Variant type: Duplication.
Identifiers: ClinVar variation 1409346 (VCV001409346.4).